The following is an entry in ClinVar:

NM_001128840.3(CACNA1D):c.2785A>G (p.Ile929Val)

Gene: CACNA1D (calcium voltage-gated channel subunit alpha1 D; plus strand). Cytogenetic location: 3p21.1.
Variant type: single nucleotide variant.
Coding change: c.2785A>G on transcript NM_001128840.3 (MANE Select); coding-DNA position 2785, A replaced by G.
Protein change: p.Ile929Val; replaces isoleucine 929 with valine.
Molecular consequence: missense variant.
Genome position (GRCh38, 1-based): chr3:53,740,313, A>G. VCF-style: chr3-53740313-A-G. GRCh37 (hg19) VCF-style: chr3-53774340-A-G.
Other names: c.2845A>G, p.Ile949Val (NM_000720.4); c.2785A>G, p.Ile929Val (NM_001128839.3); c.2845A>G (NM_000720.2); short protein forms I929V, I949V.
Identifiers: ClinVar variation 1428498 (VCV001428498.10), dbSNP rs778931143, ClinGen allele CA2454352.

ClinVar aggregate classification (germline): Uncertain significance. Review status: criteria provided, multiple submitters, no conflicts (2 of 4 stars). 3 submissions from 3 submitters: Uncertain significance (3). Last evaluated 2025-12-15.

Conditions:
Inborn genetic diseases. Identifiers: MedGen C0950123, MeSH D030342.

Allele frequency attached by ClinVar (database versions not stated): gnomAD exomes below 0.00001 and 0.00001; ExAC 0.00001; gnomAD 0.00001; TOPMed 0.00001.
gnomAD v4.1: 15 of 1,612,194 alleles (0.00093%); highest among the groups gnomAD compares: Non-Finnish European, 0.0013%; no homozygotes.

Submissions (3):

Labcorp Genetics (formerly Invitae), Labcorp
Classification: Uncertain significance. Last evaluated: 2025-12-15. Review status: criteria provided, single submitter. Criteria: Invitae Variant Classification Sherloc (09022015). Collection method: clinical testing. Allele origin: germline.
Comment: This sequence change replaces isoleucine, which is neutral and non-polar, with valine, which is neutral and non-polar, at codon 949 of the CACNA1D protein (p.Ile949Val). This variant is present in population databases (rs778931143, gnomAD 0.0009%). This variant has not been reported in the literature in individuals affected with CACNA1D-related conditions. ClinVar contains an entry for this variant (Variation ID: 1428498). Invitae Evidence Modeling of protein sequence and biophysical properties (such as structural, functional, and spatial information, amino acid conservation, physicochemical variation, residue mobility, and thermodynamic stability) indicates that this missense variant is not expected to disrupt CACNA1D protein function with a negative predictive value of 80%. In summary, the available evidence is currently insufficient to determine the role of this variant in disease. Therefore, it has been classified as a Variant of Uncertain Significance.

Blueprint Genetics
Classification: Uncertain significance. Last evaluated: 2024-10-24. Review status: criteria provided, single submitter. Criteria: ACMG Guidelines, 2015. Collection method: clinical testing. Allele origin: germline.

Ambry Genetics
Classification: Uncertain significance for Inborn genetic diseases. Last evaluated: 2022-10-06. Review status: criteria provided, single submitter. Criteria: Ambry Variant Classification Scheme 2023. Collection method: clinical testing. Allele origin: germline.
Comment: The c.2845A>G (p.I949V) alteration is located in exon 22 (coding exon 22) of the CACNA1D gene. This alteration results from a A to G substitution at nucleotide position 2845, causing the isoleucine (I) at amino acid position 949 to be replaced by a valine (V). Based on data from gnomAD, the G allele has an overall frequency of 0.001% (1/251458) total alleles studied. The highest observed frequency was 0.001% (1/113742) of European (non-Finnish) alleles. This amino acid position is highly conserved in available vertebrate species. The in silico prediction for this alteration is inconclusive. Based on insufficient or conflicting evidence, the clinical significance of this alteration remains unclear.